The following is an entry in ClinVar:

NM_006420.3(ARFGEF2):c.625G>A (p.Glu209Lys)

Gene: ARFGEF2 (ARF guanine nucleotide exchange factor 2; plus strand). Cytogenetic location: 20q13.13.
Variant type: single nucleotide variant.
Coding change: c.625G>A on transcript NM_006420.3 (MANE Select); coding-DNA position 625, G replaced by A.
Protein change: p.Glu209Lys; replaces glutamic acid 209 with lysine.
Molecular consequence: missense variant.
Genome position (GRCh38, 1-based): chr20:48,953,577, G>A. VCF-style: chr20-48953577-G-A. GRCh37 (hg19) VCF-style: chr20-47570114-G-A.
Other names: short protein forms E209K.
Identifiers: ClinVar variation 5050 (VCV000005050.35), dbSNP rs28937880, ClinGen allele CA213135.
Genomic context (GRCh38, chr20:48,953,577, plus strand): 5'-CTTACCAAAATGCTGTATCCCCCTTTTGTTGCCTTTTAGTTGCAGGAGGCCAGAGAACTG[G>A]AAAAACCAATCCAGTCAAAACCCCAGTCCCCTGTGATCCAAGCTGCAGCAGTATCCCCAA-3'
Protein context (NP_006411.2, residues 199-219): NQVLQEAREL[Glu209Lys]KPIQSKPQSP

ClinVar aggregate classification (germline): Conflicting classifications of pathogenicity. Review status: criteria provided, conflicting classifications (1 of 4 stars). 9 submissions from 9 submitters: Uncertain significance (2); Benign (4); Likely benign (2). 1 of the submissions does not count toward it. Last evaluated 2026-09-01.

Conditions:
Periventricular heterotopia with microcephaly, autosomal recessive (ARPHM). Also called: Periventricular heterotopia with microcephaly; PERIVENTRICULAR NODULAR HETEROTOPIA 2. Identifiers: Orphanet 2149, MedGen C1842563, MONDO:0011966, OMIM 608097.

Allele frequency attached by ClinVar (database versions not stated): gnomAD exomes 0.00070 and 0.00178; gnomAD 0.00079 and 0.00095; ExAC 0.00151; 1000 Genomes Project 0.00419; 1000 Genomes Project 30x 0.00437; TOPMed 0.00191.
gnomAD v4.1: 1,167 of 1,614,074 alleles (0.072%); highest among the groups gnomAD compares: Admixed American, 1%; 8 homozygotes.

Submissions (9):

CeGaT Center for Human Genetics Tuebingen
Classification: Likely benign. Last evaluated: 2026-09-01. Review status: criteria provided, single submitter. Criteria: CeGaT Center For Human Genetics Tuebingen Variant Classification Criteria Version 2. Collection method: clinical testing. Allele origin: germline. Affected: yes. Observed: 6 variant alleles.
Comment: ARFGEF2: BS1

Labcorp Genetics (formerly Invitae), Labcorp
Classification: Benign. Last evaluated: 2026-01-19. Review status: criteria provided, single submitter. Criteria: Invitae Variant Classification Sherloc (09022015). Collection method: clinical testing. Allele origin: germline.

Athena Diagnostics
Classification: Likely benign. Last evaluated: 2024-04-04. Review status: criteria provided, single submitter. Criteria: Athena Diagnostics Criteria. Collection method: clinical testing. Allele origin: unknown.

GeneDx
Classification: Benign. Last evaluated: 2019-12-09. Review status: criteria provided, single submitter. Criteria: GeneDx Variant Classification Process June 2021. Collection method: clinical testing. Allele origin: germline. Affected: yes.
Comment: This variant is associated with the following publications: (PMID: 24278701, 23755938, 14647276, 17850229, 20857375, 26765562, 27535533, 28333917)

ARUP Laboratories, Molecular Genetics and Genomics, ARUP Laboratories
Classification: Uncertain significance for Periventricular heterotopia with microcephaly, autosomal recessive. Last evaluated: 2019-06-26. Review status: criteria provided, single submitter. Criteria: ARUP Molecular Germline Variant Investigation Process. Collection method: clinical testing. Allele origin: germline.

Illumina Laboratory Services, Illumina
Classification: Benign for Periventricular heterotopia with microcephaly, autosomal recessive. Last evaluated: 2017-04-28. Review status: criteria provided, single submitter. Criteria: ICSL Variant Classification Criteria 13 December 2019. Collection method: clinical testing. Allele origin: germline.
Comment: This variant was observed as part of a predisposition screen in an ostensibly healthy population. A literature search was performed for the gene, cDNA change, and amino acid change (where applicable). Publications were found based on this search. The evidence from the literature, in combination with allele frequency data from public databases where available, was sufficient to rule this variant out of causing disease. Therefore, this variant is classified as benign.

Soonchunhyang University Bucheon Hospital, Soonchunhyang University Medical Center
Classification: Uncertain significance for Periventricular heterotopia with microcephaly, autosomal recessive. Last evaluated: 2016-03-18. Review status: criteria provided, single submitter. Criteria: ACMG Guidelines, 2015. Collection method: reference population. Allele origin: germline. Observed: 2 variant alleles.

Broad Center for Mendelian Genomics, Broad Institute of MIT and Harvard
Classification: Benign for Periventricular heterotopia with microcephaly, autosomal recessive. Review status: criteria provided, single submitter. Criteria: ACMG Guidelines, 2015. Collection method: research. Allele origin: germline. Inheritance: Autosomal recessive inheritance. Affected: yes.
Comment: The homozygous p.Glu209Lys variant in ARFGEF has been identified in at least 1 Turkish individual with consanguineous parents and periventricular heterotopia with microcephaly (PMID: 14647276, 28333917). This variant has also been identified in >1% of Latino chromosomes and 1 homozygote by ExAC. In summary, this variant meets criteria to be classified as benign for autosomal recessive periventricular heterotopia with microcephaly.

OMIM
Classification: Uncertain significance for RECLASSIFIED - VARIANT OF UNKNOWN SIGNIFICANCE. Last evaluated: 2004-01-01. Review status: no assertion criteria provided. Collection method: literature only. Allele origin: germline. Not counted in ClinVar's aggregate classification.

Literature cited by the submitters: PubMed 27535533 (cited by Athena Diagnostics and OMIM); PubMed 14647276 (cited by 5 submitters); PubMed 12682315 (cited by Athena Diagnostics).